The following is an entry in ClinVar:

ClinVar aggregate classification (germline): Uncertain significance (1 of 4 stars; one submission).

Conditions:
Cardiovascular phenotype. Identifiers: MedGen CN230736.

gnomAD v4.1: 2 of 1,613,934 alleles (0.00012%); highest among the groups gnomAD compares: Non-Finnish European, 0.00017%; no homozygotes.

Submission:

Ambry Genetics
Classification: Uncertain significance for Cardiovascular phenotype. Last evaluated: 2025-02-27. Review status: criteria provided, single submitter. Criteria: Ambry Variant Classification Scheme 2023. Collection method: clinical testing. Allele origin: germline.
Comment: The p.Q1507R variant (also known as c.4520A>G), located in coding exon 32 of the LAMA4 gene, results from an A to G substitution at nucleotide position 4520. The glutamine at codon 1507 is replaced by arginine, an amino acid with highly similar properties. This amino acid position is conserved. In addition, this alteration is predicted to be tolerated by in silico analysis. Based on the available evidence, the clinical significance of this variant remains unclear.

NM_001105206.3(LAMA4):c.4541A>G (p.Gln1514Arg)

Gene: LAMA4 (laminin subunit alpha 4; minus strand). Cytogenetic location: 6q21.
Variant type: single nucleotide variant.
Coding change: c.4541A>G on transcript NM_001105206.3 (MANE Select); coding-DNA position 4541, A replaced by G.
Protein change: p.Gln1514Arg; replaces glutamine 1514 with arginine.
Molecular consequence: missense variant.
Genome position (GRCh38, 1-based): chr6:112,120,407, T>C on the plus strand (A>G on the coding strand, the complement: LAMA4 is on the minus strand). VCF-style: chr6-112120407-T-C. GRCh37 (hg19) VCF-style: chr6-112441610-T-C.
Other names: c.4520A>G, p.Gln1507Arg (NM_001105207.3, NM_002290.5); short protein forms Q1507R, Q1514R.
Identifiers: ClinVar variation 3866199 (VCV003866199.1).